The following is an entry in ClinVar:

ClinVar aggregate classification (germline): Uncertain significance. Review status: criteria provided, multiple submitters, no conflicts (2 of 4 stars). 2 submissions from 2 submitters: Uncertain significance (2). Last evaluated 2026-05-12.

Conditions:
MRAP2-related disorder. Also called: MRAP2-related condition.

Allele frequency attached by ClinVar (database versions not stated): ExAC 0.00017; TOPMed 0.00029; gnomAD 0.00036; gnomAD exomes 0.00044; ESP Exome Variant Server 0.00046.
gnomAD v4.1: 693 of 1,614,036 alleles (0.043%); highest among the groups gnomAD compares: Non-Finnish European, 0.054%; 1 homozygote.

Submissions (2):

PreventionGenetics, part of Exact Sciences
Classification: Uncertain significance for MRAP2-related condition. Last evaluated: 2026-05-12. Review status: criteria provided, single submitter. Criteria: ACMG Guidelines, 2015. Collection method: clinical testing. Allele origin: germline.
Comment: The MRAP2 c.373C>T variant is predicted to result in the amino acid substitution p.Arg125Cys. This variant has been reported in multiple individuals with obesity, as well as individuals of normal weight (Asai et al. 2013. PubMed ID: 23869016; Liu et al. 2013. PubMed ID: 24011068; Kleinendorst et al. 2018. PubMed ID: 29970488; Baron et al. 2019. PubMed ID: 31700171; de Fonseca et al. 2020. PubMed ID: 32578125). In vitro functional studies suggest that this variant may impact melanocortin receptor signaling (Liang et al. 2018. PubMed ID: 29704154). However, this variant is reported in 0.042% of alleles in individuals of European (non-Finnish) descent in gnomAD, including 1 homozygote in the gnomAD v4.1 dataset, which may be too frequent to be a primary cause of disease. Although we suspect that this variant may be benign, the clinical significance of this variant is classified as uncertain at this time.

Labcorp Genetics (formerly Invitae), Labcorp
Classification: Uncertain significance. Last evaluated: 2025-07-19. Review status: criteria provided, single submitter. Criteria: Invitae Variant Classification Sherloc (09022015). Collection method: clinical testing. Allele origin: germline.
Comment: This sequence change replaces arginine, which is basic and polar, with cysteine, which is neutral and slightly polar, at codon 125 of the MRAP2 protein (p.Arg125Cys). This variant is present in population databases (rs148904867, gnomAD 0.04%). This missense change has been observed in individual(s) with obesity (PMID: 23869016, 29970488, 31700171, 32578125). ClinVar contains an entry for this variant (Variation ID: 2629831). An algorithm developed to predict the effect of missense changes on protein structure and function (PolyPhen-2) suggests that this variant is likely to be tolerated. In summary, the available evidence is currently insufficient to determine the role of this variant in disease. Therefore, it has been classified as a Variant of Uncertain Significance.

Literature cited by the submitters: PubMed 23869016 (cited by Labcorp Genetics (formerly Invitae), Labcorp); PubMed 29970488 (cited by Labcorp Genetics (formerly Invitae), Labcorp); PubMed 31700171 (cited by Labcorp Genetics (formerly Invitae), Labcorp); PubMed 32578125 (cited by Labcorp Genetics (formerly Invitae), Labcorp).

NM_138409.4(MRAP2):c.373C>T (p.Arg125Cys)

Gene: MRAP2 (melanocortin 2 receptor accessory protein 2; plus strand). Cytogenetic location: 6q14.2.
Variant type: single nucleotide variant.
Coding change: c.373C>T on transcript NM_138409.4 (MANE Select); coding-DNA position 373, C replaced by T.
Protein change: p.Arg125Cys; replaces arginine 125 with cysteine.
Molecular consequence: missense variant.
Genome position (GRCh38, 1-based): chr6:84,089,236, C>T. VCF-style: chr6-84089236-C-T. GRCh37 (hg19) VCF-style: chr6-84798955-C-T.
Other names: c.208C>T, p.Arg70Cys (NM_001346543.2); c.373C>T, p.Arg125Cys (NM_001346544.2, NM_001346542.2); c.115C>T, p.Arg39Cys (NM_001346541.2); short protein forms R125C, R39C, R70C.
Identifiers: ClinVar variation 2629831 (VCV002629831.7), dbSNP rs148904867, ClinGen allele CA3909647.